The following is an entry in ClinVar:

NM_005076.5(CNTN2):c.2964G>A (p.Gly988=)

Genes: CNTN2 (contactin 2; plus strand), LOC126805985 (MED14-independent group 3 enhancer GRCh37_chr1:205041546-205042745; plus strand). Cytogenetic location: 1q32.1.
Variant type: single nucleotide variant.
Coding change: c.2964G>A on transcript NM_005076.5 (MANE Select); coding-DNA position 2964, G replaced by A.
Protein change: p.Gly988=; no amino-acid change (glycine 988 retained).
Molecular consequence: synonymous variant. On other transcripts: non-coding transcript variant (1).
Genome position (GRCh38, 1-based): chr1:205,073,187, G>A. VCF-style: chr1-205073187-G-A. GRCh37 (hg19) VCF-style: chr1-205042315-G-A.
Other names: c.2964G>A (NM_005076.4); c.2964G>A, p.Gly988= (NM_001346083.2).
Identifiers: ClinVar variation 541416 (VCV000541416.14), dbSNP rs566959580, ClinGen allele CA1351842.

ClinVar aggregate classification (germline): Benign. Review status: criteria provided, single submitter (1 of 4 stars). 2 submissions from 2 submitters: Benign (1). 1 of the submissions does not count toward it. Last evaluated 2026-01-15.

Conditions:
CNTN2-related disorder. Also called: CNTN2-related condition.
Epilepsy, familial adult myoclonic, 5 (EPEO5). Also called: CORTICAL MYOCLONIC TREMOR WITH EPILEPSY, FAMILIAL, 5. Identifiers: Orphanet 86814, MedGen C3809374, MONDO:0014167, OMIM 615400.

Allele frequency attached by ClinVar (database versions not stated): gnomAD 0.00002 and 0.00052; TOPMed 0.00006; gnomAD exomes 0.00168 and 0.00079; 1000 Genomes Project 0.00399; 1000 Genomes Project 30x 0.00422; ExAC 0.00176.
gnomAD v4.1: 1,248 of 1,614,116 alleles (0.077%); highest among the groups gnomAD compares: South Asian, 1.3%; 22 homozygotes.

Submissions (2):

Labcorp Genetics (formerly Invitae), Labcorp
Classification: Benign for Epilepsy, familial adult myoclonic, 5. Last evaluated: 2026-01-15. Review status: criteria provided, single submitter. Criteria: Invitae Variant Classification Sherloc (09022015). Collection method: clinical testing. Allele origin: germline.

PreventionGenetics, part of Exact Sciences
Classification: Benign for CNTN2-related condition. Last evaluated: 2021-02-11. Review status: no assertion criteria provided. Collection method: clinical testing. Allele origin: germline. Not counted in ClinVar's aggregate classification.
Comment: This variant is classified as benign based on ACMG/AMP sequence variant interpretation guidelines (Richards et al. 2015 PMID: 25741868, with internal and published modifications).